The following is an entry in ClinVar:

ClinVar aggregate classification (germline): Uncertain significance (1 of 4 stars; one submission).

Conditions:
Chédiak-Higashi syndrome (CHS). Also called: Chediak-Higashi Syndrome. Identifiers: Orphanet 167, MedGen C0007965, MONDO:0008963, OMIM 214500.

gnomAD v4.1: 1 of 1,611,942 alleles (0.000062%); no homozygotes.

Submission:

Labcorp Genetics (formerly Invitae), Labcorp
Classification: Uncertain significance for Chédiak-Higashi syndrome. Last evaluated: 2021-08-31. Review status: criteria provided, single submitter. Criteria: Invitae Variant Classification Sherloc (09022015). Collection method: clinical testing. Allele origin: germline.
Comment: This sequence change replaces valine with isoleucine at codon 83 of the LYST protein (p.Val83Ile). The valine residue is moderately conserved and there is a small physicochemical difference between valine and isoleucine. This variant is not present in population databases (ExAC no frequency). This variant has not been reported in the literature in individuals affected with LYST-related conditions. Algorithms developed to predict the effect of missense changes on protein structure and function are either unavailable or do not agree on the potential impact of this missense change (SIFT: "Deleterious"; PolyPhen-2: "Probably Damaging"; Align-GVGD: "Class C0"). In summary, the available evidence is currently insufficient to determine the role of this variant in disease. Therefore, it has been classified as a Variant of Uncertain Significance.

NM_000081.4(LYST):c.247G>A (p.Val83Ile)

Gene: LYST (lysosomal trafficking regulator; minus strand). Cytogenetic location: 1q42.3.
Variant type: single nucleotide variant.
Coding change: c.247G>A on transcript NM_000081.4 (MANE Select); coding-DNA position 247, G replaced by A.
Protein change: p.Val83Ile; replaces valine 83 with isoleucine.
Molecular consequence: missense variant.
Genome position (GRCh38, 1-based): chr1:235,813,007, C>T on the plus strand (G>A on the coding strand, the complement: LYST is on the minus strand). VCF-style: chr1-235813007-C-T. GRCh37 (hg19) VCF-style: chr1-235976307-C-T.
Other names: c.247G>A, p.Val83Ile (NM_001301365.1); short protein forms V83I.
Identifiers: ClinVar variation 962848 (VCV000962848.7), dbSNP rs1673627982, ClinGen allele CA344965947.